The following is an entry in ClinVar:

ClinVar aggregate classification (germline): Pathogenic (1 of 4 stars; one submission).

Conditions:
Osteogenesis imperfecta type 7 (OI7). Also called: OSTEOGENESIS IMPERFECTA, TYPE IIB; Osteogenesis imperfecta type 2B; OI type 2B; Osteogenesis imperfecta, perinatal lethal autosomal recessive; OI type IIB; OI type 7. Identifiers: MedGen C1853162, MONDO:0012536, OMIM 610682.

Submission:

Center of Excellence in Precision Medicine and Digital Health (CEPMDH), Faculty of Dentistry, Chulalongkorn University
Classification: Pathogenic for Osteogenesis imperfecta type 7. Review status: criteria provided, single submitter. Criteria: ACMG Guidelines, 2015. Collection method: clinical testing. Allele origin: germline. Inheritance: Autosomal recessive inheritance. Affected: yes. Observed: 1 variant allele, 1 compound heterozygote.
Comment: The c.62_77del variant is absent from database (gnomAD, 1000 Genomes Project Consortium, dbSNPs, Thai reference exome (T-Rex) variant database) and classified as pathogenic using ACMG Guidelines.

NM_006371.5(CRTAP):c.62_77del (p.Leu21fs)

Genes: CRTAP (cartilage associated protein; plus strand), LOC129936436 (ATAC-STARR-seq lymphoblastoid silent region 14183; plus strand). Cytogenetic location: 3p22.3.
Variant type: Deletion.
Coding change: c.62_77del on transcript NM_006371.5 (MANE Select); coding-DNA positions 62 to 77, 16 bases deleted (TGCGCGCCGGGCGCGC).
Protein change: p.Leu21fs; shifts the reading frame from leucine 21.
Molecular consequence: frameshift variant.
Genome position (GRCh38, 1-based): chr3:33,114,139-33,114,154, TGCGCGCCGGGCGCGC deleted; deleting any 16 consecutive bases within chr3:33,114,133-33,114,154 gives the same sequence; the c. name uses the placement nearest the transcript's 3' end. VCF-style (leftmost placement, unchanged base first): chr3-33114132-TGCGCGCTGCGCGCCGG-T. GRCh37 (hg19) VCF-style: chr3-33155624-TGCGCGCTGCGCGCCGG-T.
Other names: c.62_77del, p.Leu21fs (NM_001393363.1, NM_001393364.1, NM_001393365.1); short protein forms L21fs.
Identifiers: ClinVar variation 1299298 (VCV001299298.2), dbSNP rs1701308701, ClinGen allele CA1046634995.